The following is an entry in ClinVar:

NM_177438.3(DICER1):c.152T>C (p.Leu51Pro)

Gene: DICER1 (dicer 1, ribonuclease III; minus strand). Cytogenetic location: 14q32.13.
Variant type: single nucleotide variant.
Coding change: c.152T>C on transcript NM_177438.3 (MANE Select); coding-DNA position 152, T replaced by C.
Protein change: p.Leu51Pro; replaces leucine 51 with proline.
Molecular consequence: missense variant. On other transcripts: 5 prime UTR variant (9), non-coding transcript variant (6).
Genome position (GRCh38, 1-based): chr14:95,132,670, A>G on the plus strand (T>C on the coding strand, the complement: DICER1 is on the minus strand). VCF-style: chr14-95132670-A-G. GRCh37 (hg19) VCF-style: chr14-95599007-A-G.
Other names: c.152T>C, p.Leu51Pro (NM_001195573.1, NM_001271282.3, NM_001291628.2 and 15 more transcripts); c.-123T>C (NM_001395686.1, NM_001395687.1, NM_001395688.1 and 4 more transcripts); c.-307T>C (NM_001395691.1); c.-1417T>C (NM_001395697.1); short protein forms L51P.
Identifiers: ClinVar variation 3229313 (VCV003229313.1), dbSNP rs2543372751, ClinGen allele CA390890172.

ClinVar aggregate classification (germline): Uncertain significance (1 of 4 stars; one submission).

Conditions:
Hereditary cancer-predisposing syndrome. Also called: Neoplastic Syndromes, Hereditary; Tumor predisposition; Hereditary neoplastic syndrome; Hereditary Cancer Syndrome. Identifiers: Orphanet 140162, MedGen C0027672, MeSH D009386, MONDO:0015356.

Submission:

Ambry Genetics
Classification: Uncertain significance for Hereditary cancer-predisposing syndrome. Last evaluated: 2024-02-22. Review status: criteria provided, single submitter. Criteria: Ambry Variant Classification Scheme 2023. Collection method: clinical testing. Allele origin: germline.
Comment: The p.L51P variant (also known as c.152T>C), located in coding exon 2 of the DICER1 gene, results from a T to C substitution at nucleotide position 152. The leucine at codon 51 is replaced by proline, an amino acid with similar properties. This amino acid position is conserved. In addition, this alteration is predicted to be deleterious by in silico analysis. Based on the available evidence, the clinical significance of this alteration remains unclear.